The following is an entry in ClinVar:

NM_016222.4(DDX41):c.113C>G (p.Pro38Arg)

Gene: DDX41 (DEAD-box helicase 41; minus strand). Cytogenetic location: 5q35.3.
Variant type: single nucleotide variant.
Coding change: c.113C>G on transcript NM_016222.4 (MANE Select); coding-DNA position 113, C replaced by G.
Protein change: p.Pro38Arg; replaces proline 38 with arginine.
Molecular consequence: missense variant. On other transcripts: 5 prime UTR variant (2).
Genome position (GRCh38, 1-based): chr5:177,516,750, G>C on the plus strand (C>G on the coding strand, the complement: DDX41 is on the minus strand). VCF-style: chr5-177516750-G-C. GRCh37 (hg19) VCF-style: chr5-176943751-G-C.
Other names: c.113C>G (NM_016222.2); c.-543C>G (NM_001321732.2); c.-335C>G (NM_001321830.2); short protein forms P38R.
Identifiers: ClinVar variation 2070571 (VCV002070571.8), dbSNP rs11555633, ClinGen allele CA3585375.

ClinVar aggregate classification (germline): Uncertain significance. Review status: criteria provided, multiple submitters, no conflicts (2 of 4 stars). 4 submissions from 4 submitters: Uncertain significance (4). Last evaluated 2025-01-16.

Conditions:
DDX41-related hematologic malignancy predisposition syndrome. Also called: Myeloproliferative/lymphoproliferative neoplasms, familial (multiple types), susceptibility to; DDX41-Associated Familial Myelodysplastic Syndrome and Acute Myeloid Leukemia. Identifiers: Orphanet 488647, MedGen C4225174, MONDO:0014809, OMIM 616871.
Inborn genetic diseases. Identifiers: MedGen C0950123, MeSH D030342.

gnomAD v4.1: 14 of 1,609,806 alleles (0.00087%); highest among the groups gnomAD compares: South Asian, 0.0022%; no homozygotes.

Submissions (4):

Ambry Genetics
Classification: Uncertain significance for Inborn genetic diseases. Last evaluated: 2025-01-16. Review status: criteria provided, single submitter. Criteria: Ambry Variant Classification Scheme 2023. Collection method: clinical testing. Allele origin: germline.
Comment: The p.P38R variant (also known as c.113C>G), located in coding exon 2 of the DDX41 gene, results from a C to G substitution at nucleotide position 113. The proline at codon 38 is replaced by arginine, an amino acid with dissimilar properties. This amino acid position is highly conserved in available vertebrate species. In addition, the in silico prediction for this alteration is inconclusive. Based on the available evidence, the clinical significance of this variant remains unclear.

GeneDx
Classification: Uncertain significance. Last evaluated: 2024-11-12. Review status: criteria provided, single submitter. Criteria: GeneDx Variant Classification Process June 2021. Collection method: clinical testing. Allele origin: germline.
Comment: Not observed at significant frequency in large population cohorts (gnomAD); In silico analysis supports that this missense variant has a deleterious effect on protein structure/function; Has not been previously published as pathogenic or benign to our knowledge; This variant is associated with the following publications: (PMID: 37506341)

Labcorp Genetics (formerly Invitae), Labcorp
Classification: Uncertain significance. Last evaluated: 2024-10-30. Review status: criteria provided, single submitter. Criteria: Invitae Variant Classification Sherloc (09022015). Collection method: clinical testing. Allele origin: germline.
Comment: This sequence change replaces proline, which is neutral and non-polar, with arginine, which is basic and polar, at codon 38 of the DDX41 protein (p.Pro38Arg). This variant is present in population databases (rs11555633, gnomAD 0.007%). This variant has not been reported in the literature in individuals affected with DDX41-related conditions. ClinVar contains an entry for this variant (Variation ID: 2070571). An algorithm developed to predict the effect of missense changes on protein structure and function (PolyPhen-2) suggests that this variant is likely to be disruptive. In summary, the available evidence is currently insufficient to determine the role of this variant in disease. Therefore, it has been classified as a Variant of Uncertain Significance.

Baylor Genetics
Classification: Uncertain significance for DDX41-related hematologic malignancy predisposition syndrome. Last evaluated: 2023-11-08. Review status: criteria provided, single submitter. Criteria: ACMG Guidelines, 2015. Collection method: clinical testing. Allele origin: unknown.